The following is an entry in ClinVar:

ClinVar aggregate classification (germline): Conflicting classifications of pathogenicity. Review status: criteria provided, conflicting classifications (1 of 4 stars). 2 submissions from 2 submitters: Uncertain significance (1); Benign (1). Last evaluated 2025-09-21.

Conditions:
Primary ciliary dyskinesia. Also called: Ciliary dyskinesia. Identifiers: Orphanet 244, MedGen C0008780, MONDO:0016575, HP:0012265.

Allele frequency attached by ClinVar (database versions not stated): gnomAD exomes 0.00001 and 0.00005; ExAC 0.00002; gnomAD 0.00003 and 0.00004; TOPMed 0.00003.
gnomAD v4.1: 72 of 1,613,874 alleles (0.0045%); highest among the groups gnomAD compares: Non-Finnish European, 0.0058%; no homozygotes.

Submissions (2):

Labcorp Genetics (formerly Invitae), Labcorp
Classification: Benign for Primary ciliary dyskinesia. Last evaluated: 2025-09-21. Review status: criteria provided, single submitter. Criteria: Invitae Variant Classification Sherloc (09022015). Collection method: clinical testing. Allele origin: germline.

Ambry Genetics
Classification: Uncertain significance for Primary ciliary dyskinesia. Last evaluated: 2022-06-22. Review status: criteria provided, single submitter. Criteria: Ambry Variant Classification Scheme 2023. Collection method: clinical testing. Allele origin: germline.
Comment: The p.K835R variant (also known as c.2504A>G), located in coding exon 14 of the DNAH11 gene, results from an A to G substitution at nucleotide position 2504. The lysine at codon 835 is replaced by arginine, an amino acid with highly similar properties. This amino acid position is conserved. In addition, this alteration is predicted to be tolerated by in silico analysis. Since supporting evidence is limited at this time, the clinical significance of this alteration remains unclear.

NM_001277115.2(DNAH11):c.2504A>G (p.Lys835Arg)

Gene: DNAH11 (dynein axonemal heavy chain 11; plus strand). Cytogenetic location: 7p15.3.
Variant type: single nucleotide variant.
Coding change: c.2504A>G on transcript NM_001277115.2 (MANE Select); coding-DNA position 2504, A replaced by G.
Protein change: p.Lys835Arg; replaces lysine 835 with arginine.
Molecular consequence: missense variant.
Genome position (GRCh38, 1-based): chr7:21,591,414, A>G. VCF-style: chr7-21591414-A-G. GRCh37 (hg19) VCF-style: chr7-21631032-A-G.
Other names: short protein forms K835R.
Identifiers: ClinVar variation 359615 (VCV000359615.10), dbSNP rs745305844, ClinGen allele CA4179359.